The following is an entry in ClinVar:

NM_001005373.4(LRSAM1):c.16C>T (p.Arg6Trp)

Gene: LRSAM1 (leucine rich repeat and sterile alpha motif containing 1; plus strand). Cytogenetic location: 9q33.3.
Variant type: single nucleotide variant.
Coding change: c.16C>T on transcript NM_001005373.4 (MANE Select); coding-DNA position 16, C replaced by T.
Protein change: p.Arg6Trp; replaces arginine 6 with tryptophan.
Molecular consequence: missense variant. On other transcripts: 5 prime UTR variant (1), non-coding transcript variant (2).
Genome position (GRCh38, 1-based): chr9:127,454,543, C>T. VCF-style: chr9-127454543-C-T. GRCh37 (hg19) VCF-style: chr9-130216822-C-T.
Other names: c.16C>T (NM_138361.4); c.16C>T, p.Arg6Trp (NM_001005374.4, NM_001190723.3, NM_001384142.1 and 2 more transcripts); c.-769C>T (NM_001384144.1); short protein forms R6W.
Identifiers: ClinVar variation 953173 (VCV000953173.13), dbSNP rs140467743, ClinGen allele CA5246344.
Genomic context (GRCh38, chr9:127,454,543, plus strand): 5'-TCCTGTGCCCCAGGGTCCTAAAGATCGCTCTGGGAAAAGGGAAGGATGCCGCTCTTCTTC[C>T]GGAAGCGGAAACCCAGTGAGGAGGCTCGGAAACGCCTGGAGTACCAGATGTGTTTGGTGA-3'
Protein context (NP_001005373.1, residues 1-16): MPLFF[Arg6Trp]KRKPSEEARK

ClinVar aggregate classification (germline): Uncertain significance. Review status: criteria provided, multiple submitters, no conflicts (2 of 4 stars). 3 submissions from 3 submitters: Uncertain significance (3). Last evaluated 2026-07-29.

Conditions:
LRSAM1-related disorder. Also called: LRSAM1-related condition.
Inborn genetic diseases. Identifiers: MedGen C0950123, MeSH D030342.
Charcot-Marie-Tooth disease axonal type 2P. Also called: Charcot-Marie-Tooth Neuropathy Type 2G; CHARCOT-MARIE-TOOTH NEUROPATHY, TYPE 2P; CHARCOT-MARIE-TOOTH DISEASE, AXONAL, TYPE 2G; CMT 2G. Identifiers: Orphanet 300319, Orphanet 99941, MedGen C3280797, MONDO:0013753, OMIM 614436.

Allele frequency attached by ClinVar (database versions not stated): ExAC 0.00003; gnomAD 0.00004; TOPMed 0.00007; ESP Exome Variant Server 0.00008.
gnomAD v4.1: 28 of 1,613,948 alleles (0.0017%); highest among the groups gnomAD compares: South Asian, 0.012%; no homozygotes.

Submissions (3):

PreventionGenetics, part of Exact Sciences
Classification: Uncertain significance for LRSAM1-related condition. Last evaluated: 2026-07-29. Review status: criteria provided, single submitter. Criteria: ACMG Guidelines, 2015. Collection method: clinical testing. Allele origin: germline.
Comment: The LRSAM1 c.16C>T variant is predicted to result in the amino acid substitution p.Arg6Trp. To our knowledge, this variant has not been reported in the literature. This variant is reported in 0.012% of alleles in individuals of African descent in gnomAD. At this time, the clinical significance of this variant is uncertain due to the absence of conclusive functional and genetic evidence.

Ambry Genetics
Classification: Uncertain significance for Inborn genetic diseases. Last evaluated: 2025-08-30. Review status: criteria provided, single submitter. Criteria: Ambry Variant Classification Scheme 2023. Collection method: clinical testing. Allele origin: germline.

Labcorp Genetics (formerly Invitae), Labcorp
Classification: Uncertain significance for Charcot-Marie-Tooth disease axonal type 2P. Last evaluated: 2023-10-18. Review status: criteria provided, single submitter. Criteria: Invitae Variant Classification Sherloc (09022015). Collection method: clinical testing. Allele origin: germline.
Comment: This sequence change replaces arginine, which is basic and polar, with tryptophan, which is neutral and slightly polar, at codon 6 of the LRSAM1 protein (p.Arg6Trp). This variant is present in population databases (rs140467743, gnomAD 0.01%). This variant has not been reported in the literature in individuals affected with LRSAM1-related conditions. ClinVar contains an entry for this variant (Variation ID: 953173). Advanced modeling of protein sequence and biophysical properties (such as structural, functional, and spatial information, amino acid conservation, physicochemical variation, residue mobility, and thermodynamic stability) performed at Invitae indicates that this missense variant is expected to disrupt LRSAM1 protein function. In summary, the available evidence is currently insufficient to determine the role of this variant in disease. Therefore, it has been classified as a Variant of Uncertain Significance.